The following is an entry in ClinVar:

NM_002291.3(LAMB1):c.4979G>A (p.Arg1660Gln)

Gene: LAMB1 (laminin subunit beta 1; minus strand). Cytogenetic location: 7q31.1.
Variant type: single nucleotide variant.
Coding change: c.4979G>A on transcript NM_002291.3 (MANE Select); coding-DNA position 4979, G replaced by A.
Protein change: p.Arg1660Gln; replaces arginine 1660 with glutamine.
Molecular consequence: missense variant.
Genome position (GRCh38, 1-based): chr7:107,926,268, C>T on the plus strand (G>A on the coding strand, the complement: LAMB1 is on the minus strand). VCF-style: chr7-107926268-C-T. GRCh37 (hg19) VCF-style: chr7-107566713-C-T.
Other names: short protein forms R1660Q.
Identifiers: ClinVar variation 1941034 (VCV001941034.5), dbSNP rs146689575, ClinGen allele CA4434878.

ClinVar aggregate classification (germline): Uncertain significance (1 of 4 stars; one submission).

Allele frequency attached by ClinVar (database versions not stated): TOPMed 0.00002; 1000 Genomes Project 30x 0.00016.
gnomAD v4.1: 34 of 1,613,956 alleles (0.0021%); highest among the groups gnomAD compares: South Asian, 0.016%; 1 homozygote.

Submission:

Labcorp Genetics (formerly Invitae), Labcorp
Classification: Uncertain significance. Last evaluated: 2025-03-25. Review status: criteria provided, single submitter. Criteria: Invitae Variant Classification Sherloc (09022015). Collection method: clinical testing. Allele origin: germline.
Comment: This sequence change replaces arginine, which is basic and polar, with glutamine, which is neutral and polar, at codon 1660 of the LAMB1 protein (p.Arg1660Gln). This variant is present in population databases (rs146689575, gnomAD 0.01%). This variant has not been reported in the literature in individuals affected with LAMB1-related conditions. ClinVar contains an entry for this variant (Variation ID: 1941034). An algorithm developed to predict the effect of missense changes on protein structure and function (PolyPhen-2) suggests that this variant is likely to be tolerated. In summary, the available evidence is currently insufficient to determine the role of this variant in disease. Therefore, it has been classified as a Variant of Uncertain Significance.